The following is an entry in ClinVar:

ClinVar aggregate classification (germline): Uncertain significance (1 of 4 stars; one submission).

Conditions:
Hereditary cancer-predisposing syndrome. Also called: Tumor predisposition; Neoplastic Syndromes, Hereditary; Hereditary Cancer Syndrome; Hereditary neoplastic syndrome. Identifiers: Orphanet 140162, MedGen C0027672, MeSH D009386, MONDO:0015356.

Submission:

Color Diagnostics, LLC DBA Color Health
Classification: Uncertain significance for Hereditary cancer-predisposing syndrome. Last evaluated: 2024-03-06. Review status: criteria provided, single submitter. Criteria: ACMG Guidelines, 2015. Collection method: clinical testing. Allele origin: germline.
Comment: This missense variant replaces glutamine with arginine at codon 2305 of the ATM protein. Computational prediction suggests that this variant may not impact protein structure and function (internally defined REVEL score threshold <= 0.5, PMID: 27666373). To our knowledge, functional studies have not been reported for this variant. This variant has not been reported in individuals affected with hereditary cancer in the literature. This variant has not been identified in the general population by the Genome Aggregation Database (gnomAD). The available evidence is insufficient to determine the role of this variant in disease conclusively. Therefore, this variant is classified as a Variant of Uncertain Significance.

NM_000051.4(ATM):c.6914A>G (p.Gln2305Arg)

Genes: ATM (ATM serine/threonine kinase; plus strand), C11orf65 (chromosome 11 open reading frame 65; minus strand). Cytogenetic location: 11q22.3.
Variant type: single nucleotide variant.
Coding change: c.6914A>G on transcript NM_000051.4 (MANE Select); coding-DNA position 6914, A replaced by G.
Protein change: p.Gln2305Arg; replaces glutamine 2305 with arginine.
Molecular consequence: missense variant. On other transcripts: intron variant (2).
Genome position (GRCh38, 1-based): chr11:108,326,164, A>G. VCF-style: chr11-108326164-A-G. GRCh37 (hg19) VCF-style: chr11-108196891-A-G.
Other names: c.6914A>G, p.Gln2305Arg (NM_001351834.2); c.641-17093T>C (NM_001330368.2); c.*38+9056T>C (NM_001351110.2); short protein forms Q2305R.
Identifiers: ClinVar variation 1332650 (VCV001332650.4), dbSNP rs2136336746, ClinGen allele CA382557046.